The following is an entry in ClinVar:

NM_004859.4(CLTC):c.476A>C (p.Asp159Ala)

Gene: CLTC (clathrin heavy chain; plus strand). Cytogenetic location: 17q23.1.
Variant type: single nucleotide variant.
Coding change: c.476A>C on transcript NM_004859.4 (MANE Select); coding-DNA position 476, A replaced by C.
Protein change: p.Asp159Ala; replaces aspartic acid 159 with alanine.
Molecular consequence: missense variant.
Genome position (GRCh38, 1-based): chr17:59,647,623, A>C. VCF-style: chr17-59647623-A-C. GRCh37 (hg19) VCF-style: chr17-57724984-A-C.
Other names: c.488A>C, p.Asp163Ala (NM_001288653.2); short protein forms D159A, D163A.
Identifiers: ClinVar variation 5017498 (VCV005017498.1).

ClinVar aggregate classification (germline): Uncertain significance (1 of 4 stars; one submission).

Submission:

GeneDx
Classification: Uncertain significance. Last evaluated: 2026-03-26. Review status: criteria provided, single submitter. Criteria: GeneDx Variant Classification Process June 2021. Collection method: clinical testing. Allele origin: germline.
Comment: Not observed at significant frequency in large population cohorts (gnomAD); In silico analysis supports that this missense variant has a deleterious effect on protein structure/function; Has not been previously published as pathogenic or benign to our knowledge